The following is an entry in ClinVar:

ClinVar aggregate classification (germline): Uncertain significance. Review status: criteria provided, multiple submitters, no conflicts (2 of 4 stars). 2 submissions from 2 submitters: Uncertain significance (2). Last evaluated 2026-10-29.

Conditions:
Cardiomyopathy, familial restrictive, 6. Identifiers: MedGen C5543638, MONDO:0030330, OMIM 619433.

Allele frequency attached by ClinVar (database versions not stated): gnomAD 0.00001; gnomAD exomes 0.00001; TOPMed 0.00002.
gnomAD v4.1: 16 of 1,614,026 alleles (0.00099%); highest among the groups gnomAD compares: Admixed American, 0.0017%; no homozygotes.

Submissions (2):

Department of Molecular Genetics, Istishari Arab Hospital
Classification: Uncertain significance for Cardiomyopathy, familial restrictive, 6. Last evaluated: 2026-10-29. Review status: criteria provided, single submitter. Criteria: ACMG Guidelines, 2015. Collection method: clinical testing. Allele origin: germline. Inheritance: Autosomal recessive inheritance. Affected: no.
Comment: The KIF20A c.1378C>T, p.Arg460Cys variant creates an amino acid change from Arg to Cys at position 460. The variant is observed with very low frequency in the gnomAD v4.1.0 dataset (<0.0001) and, to the best of our knowledge, has not been reported in the literature. Based on the available evidence, the variant is classified as of uncertain significance according to ACMG/AMP and ClinGen SVI guidelines.

Labcorp Genetics (formerly Invitae), Labcorp
Classification: Uncertain significance. Last evaluated: 2025-05-07. Review status: criteria provided, single submitter. Criteria: Invitae Variant Classification Sherloc (09022015). Collection method: clinical testing. Allele origin: germline.
Comment: This sequence change replaces arginine, which is basic and polar, with cysteine, which is neutral and slightly polar, at codon 460 of the KIF20A protein (p.Arg460Cys). This variant is present in population databases (no rsID available, gnomAD 0.004%). This variant has not been reported in the literature in individuals affected with KIF20A-related conditions. ClinVar contains an entry for this variant (Variation ID: 2857405). An algorithm developed to predict the effect of missense changes on protein structure and function (PolyPhen-2) suggests that this variant is likely to be disruptive. In summary, the available evidence is currently insufficient to determine the role of this variant in disease. Therefore, it has been classified as a Variant of Uncertain Significance.

NM_005733.3(KIF20A):c.1378C>T (p.Arg460Cys)

Gene: KIF20A (kinesin family member 20A; plus strand). Cytogenetic location: 5q31.2.
Variant type: single nucleotide variant.
Coding change: c.1378C>T on transcript NM_005733.3 (MANE Select); coding-DNA position 1378, C replaced by T.
Protein change: p.Arg460Cys; replaces arginine 460 with cysteine.
Molecular consequence: missense variant.
Genome position (GRCh38, 1-based): chr5:138,184,264, C>T. VCF-style: chr5-138184264-C-T. GRCh37 (hg19) VCF-style: chr5-137519953-C-T.
Other names: p.Arg460Cys; short protein forms R460C.
Identifiers: ClinVar variation 2857405 (VCV002857405.4), dbSNP rs1164687248, ClinGen allele CA361116251.